The following is an entry in ClinVar:

NM_001319074.4(RAX2):c.544C>G (p.Pro182Ala)

Gene: RAX2 (retina and anterior neural fold homeobox 2; minus strand). Cytogenetic location: 19p13.3.
Variant type: single nucleotide variant.
Coding change: c.544C>G on transcript NM_001319074.4 (MANE Select); coding-DNA position 544, C replaced by G.
Protein change: p.Pro182Ala; replaces proline 182 with alanine.
Molecular consequence: missense variant.
Genome position (GRCh38, 1-based): chr19:3,770,632, G>C on the plus strand (C>G on the coding strand, the complement: RAX2 is on the minus strand). VCF-style: chr19-3770632-G-C. GRCh37 (hg19) VCF-style: chr19-3770630-G-C.
Other names: c.544C>G, p.Pro182Ala (NM_032753.4); short protein forms P182A.
Identifiers: ClinVar variation 4759799 (VCV004759799.1).

ClinVar aggregate classification (germline): Uncertain significance (1 of 4 stars; one submission).

Submission:

Labcorp Genetics (formerly Invitae), Labcorp
Classification: Uncertain significance. Last evaluated: 2025-07-09. Review status: criteria provided, single submitter. Criteria: Invitae Variant Classification Sherloc (09022015). Collection method: clinical testing. Allele origin: germline.
Comment: This sequence change replaces proline, which is neutral and non-polar, with alanine, which is neutral and non-polar, at codon 182 of the RAX2 protein (p.Pro182Ala). This variant is not present in population databases (gnomAD no frequency). This variant has not been reported in the literature in individuals affected with RAX2-related conditions. An algorithm developed to predict the effect of missense changes on protein structure and function (PolyPhen-2) suggests that this variant is likely to be disruptive. In summary, the available evidence is currently insufficient to determine the role of this variant in disease. Therefore, it has been classified as a Variant of Uncertain Significance.